The following is an entry in ClinVar:

NM_032242.4(PLXNA1):c.1471G>C (p.Val491Leu)

Gene: PLXNA1 (plexin A1; plus strand). Cytogenetic location: 3q21.3.
Variant type: single nucleotide variant.
Coding change: c.1471G>C on transcript NM_032242.4 (MANE Select); coding-DNA position 1471, G replaced by C.
Protein change: p.Val491Leu; replaces valine 491 with leucine.
Molecular consequence: missense variant.
Genome position (GRCh38, 1-based): chr3:127,003,423, G>C. VCF-style: chr3-127003423-G-C. GRCh37 (hg19) VCF-style: chr3-126722266-G-C.
Other names: short protein forms V491L.
Identifiers: ClinVar variation 5002136 (VCV005002136.1).

ClinVar aggregate classification (germline): Uncertain significance (1 of 4 stars; one submission).

Conditions:
PLXNA1-related disorder. Also called: PLXNA1-related condition.

gnomAD v4.1: 1 of 1,612,330 alleles (0.000062%); highest among the groups gnomAD compares: Admixed American, 0.0017%; no homozygotes.

Submission:

PreventionGenetics, part of Exact Sciences
Classification: Uncertain significance for PLXNA1-related condition. Last evaluated: 2025-08-01. Review status: criteria provided, single submitter. Criteria: ACMG Guidelines, 2015. Collection method: clinical testing. Allele origin: germline.
Comment: The PLXNA1 c.1471G>C variant is predicted to result in the amino acid substitution p.Val491Leu. To our knowledge, this variant has not been reported in the literature. This variant is reported in 0.0029% of alleles in individuals of Latino descent in gnomAD. At this time, the clinical significance of this variant is uncertain due to the absence of conclusive functional and genetic evidence.